The following is an entry in ClinVar:

ClinVar aggregate classification (germline): Pathogenic (1 of 4 stars; one submission).

Conditions:
Bardet-Biedl syndrome (BBS). Identifiers: Orphanet 110, MedGen C0752166, MONDO:0015229.

Submission:

Labcorp Genetics (formerly Invitae), Labcorp
Classification: Pathogenic for Bardet-Biedl syndrome. Last evaluated: 2023-01-07. Review status: criteria provided, single submitter. Criteria: Invitae Variant Classification Sherloc (09022015). Collection method: clinical testing. Allele origin: germline.
Comment: For these reasons, this variant has been classified as Pathogenic. This variant has not been reported in the literature in individuals affected with BBS7-related conditions. This variant is not present in population databases (gnomAD no frequency). This sequence change creates a premature translational stop signal (p.Arg30Serfs*11) in the BBS7 gene. It is expected to result in an absent or disrupted protein product. Loss-of-function variants in BBS7 are known to be pathogenic (PMID: 12567324, 19402160, 21209035, 31196119).

Literature cited by the submitters: PubMed 12567324; PubMed 19402160; PubMed 21209035; PubMed 31196119.

NM_176824.3(BBS7):c.90_91del (p.Arg30fs)

Gene: BBS7 (Bardet-Biedl syndrome 7; minus strand). Cytogenetic location: 4q27.
Variant type: Microsatellite.
Coding change: c.90_91del on transcript NM_176824.3 (MANE Select); coding-DNA positions 90 to 91, 2 bases deleted (AG; older notation c.90_91delAG).
Protein change: p.Arg30fs; shifts the reading frame from arginine 30.
Molecular consequence: frameshift variant.
Genome position (GRCh38, 1-based): chr4:121,867,992-121,867,993, CT deleted on the plus strand (AG on the coding strand, the reverse complement: BBS7 is on the minus strand); deleting any 2 consecutive bases within chr4:121,867,992-121,867,995 gives the same sequence; the c. name uses the placement nearest the transcript's 3' end. VCF-style (leftmost placement, unchanged base first): chr4-121867991-GCT-G. GRCh37 (hg19) VCF-style: chr4-122789146-GCT-G.
Other names: c.90_91del, p.Arg30fs (NM_018190.4); short protein forms R30fs.
Identifiers: ClinVar variation 2826942 (VCV002826942.3), dbSNP rs1291044978, ClinGen allele CA786324577.